The following is an entry in ClinVar:

NM_001374828.1(ARID1B):c.5955dup (p.Gly1986fs)

Gene: ARID1B (AT-rich interaction domain 1B; plus strand). Cytogenetic location: 6q25.3.
Variant type: Duplication.
Coding change: c.5955dup on transcript NM_001374828.1 (MANE Select); coding-DNA position 5955, one base duplicated (A; older notation c.5955dupA).
Protein change: p.Gly1986fs; shifts the reading frame from glycine 1986.
Molecular consequence: frameshift variant.
Genome position (GRCh38, 1-based): chr6:157,206,727, A duplicated; the last of 3 consecutive A bases (chr6:157,206,725-157,206,727); duplicating any one gives the same sequence. VCF-style (leftmost placement, unchanged base first): chr6-157206724-C-CA. GRCh37 (hg19) VCF-style: chr6-157527858-C-CA.
Other names: c.5586dupA (NM_020732.3); c.3456dup, p.Gly1153fs (NM_001363725.2); c.5835dup, p.Gly1946fs (NM_001371656.1, NM_001374820.1); c.5796dup, p.Gly1933fs (NM_017519.3); short protein forms G1153fs, G1933fs, G1946fs, G1986fs.
Identifiers: ClinVar variation 589566 (VCV000589566.5), dbSNP rs1562352435, ClinGen allele CA891842745.

ClinVar aggregate classification (germline): Pathogenic (1 of 4 stars; one submission).

Conditions:
Inborn genetic diseases. Identifiers: MedGen C0950123, MeSH D030342.

Submission:

Ambry Genetics
Classification: Pathogenic for Inborn genetic diseases. Last evaluated: 2017-03-21. Review status: criteria provided, single submitter. Criteria: Ambry Variant Classification Scheme 2023. Collection method: clinical testing. Allele origin: germline.
Comment: The c.5586dupA variant, located in coding exon 20 of the ARID1B gene, results from a duplication of A at nucleotide position 5586, causing a translational frameshift with a predicted alternate stop codon (p.G1863Rfs*4). This alteration is expected to result in loss of function by premature protein truncation or nonsense-mediated mRNA decay. As such, this alteration is interpreted as a disease-causing mutation.